The following is an entry in ClinVar:

NM_015122.3(FCHO1):c.309C>T (p.Gly103=)

Gene: FCHO1 (FCH and mu domain containing endocytic adaptor 1; plus strand). Cytogenetic location: 19p13.11.
Variant type: single nucleotide variant.
Coding change: c.309C>T on transcript NM_015122.3 (MANE Select); coding-DNA position 309, C replaced by T.
Protein change: p.Gly103=; no amino-acid change (glycine 103 retained).
Molecular consequence: synonymous variant. On other transcripts: non-coding transcript variant (34).
Genome position (GRCh38, 1-based): chr19:17,766,783, C>T. VCF-style: chr19-17766783-C-T. GRCh37 (hg19) VCF-style: chr19-17877592-C-T.
Other names: c.309C>T, p.Gly103= (NM_001161357.2, NM_001161358.2, NM_001384370.1 and 29 more transcripts); c.159C>T, p.Gly53= (NM_001161359.2, NM_001384384.1, NM_001384385.1 and 3 more transcripts); c.234C>T, p.Gly78= (NM_001384390.1).
Identifiers: ClinVar variation 3613118 (VCV003613118.2).

ClinVar aggregate classification (germline): Uncertain significance (1 of 4 stars; one submission).

gnomAD v4.1: 4 of 1,613,962 alleles (0.00025%); highest among the groups gnomAD compares: South Asian, 0.0011%; no homozygotes.

Submission:

Labcorp Genetics (formerly Invitae), Labcorp
Classification: Uncertain significance. Last evaluated: 2026-01-14. Review status: criteria provided, single submitter. Criteria: Invitae Variant Classification Sherloc (09022015). Collection method: clinical testing. Allele origin: germline.
Comment: This sequence change affects codon 103 of the FCHO1 mRNA. It is a 'silent' change, meaning that it does not change the encoded amino acid sequence of the FCHO1 protein. This variant is present in population databases (no rsID available, gnomAD 0.01%). This variant has not been reported in the literature in individuals affected with FCHO1-related conditions. ClinVar contains an entry for this variant (Variation ID: 3613118). Algorithms developed to predict the effect of sequence changes on RNA splicing suggest that this variant may create or strengthen a splice site. In summary, the available evidence is currently insufficient to determine the role of this variant in disease. Therefore, it has been classified as a Variant of Uncertain Significance.